The following is an entry in ClinVar:

NM_001349253.2(SCN11A):c.3452C>T (p.Ala1151Val)

Gene: SCN11A (sodium voltage-gated channel alpha subunit 11; minus strand). Cytogenetic location: 3p22.2.
Variant type: single nucleotide variant.
Coding change: c.3452C>T on transcript NM_001349253.2 (MANE Select); coding-DNA position 3452, C replaced by T.
Protein change: p.Ala1151Val; replaces alanine 1151 with valine.
Molecular consequence: missense variant.
Genome position (GRCh38, 1-based): chr3:38,872,236, G>A on the plus strand (C>T on the coding strand, the complement: SCN11A is on the minus strand). VCF-style: chr3-38872236-G-A. GRCh37 (hg19) VCF-style: chr3-38913727-G-A.
Other names: c.3452C>T, p.Ala1151Val (NM_014139.3); short protein forms A1151V.
Identifiers: ClinVar variation 1706348 (VCV001706348.8), dbSNP rs750275701, ClinGen allele CA2321783.

ClinVar aggregate classification (germline): Uncertain significance. Review status: criteria provided, multiple submitters, no conflicts (2 of 4 stars). 3 submissions from 3 submitters: Uncertain significance (3). Last evaluated 2026-01-05.

Conditions:
SCN11A-related disorder. Also called: SCN11A-related condition.
Hereditary sensory and autonomic neuropathy type 7. Also called: HSAN VII; Neuropathy, hereditary sensory and autonomic, type VII. Identifiers: Orphanet 391397, MedGen C3809882, MONDO:0014244, OMIM 615548.
Familial episodic pain syndrome with predominantly lower limb involvement. Also called: Episodic pain syndrome, familial, 3. Identifiers: Orphanet 391384, Orphanet 391392, MedGen C3809899, MONDO:0014247, OMIM 615552.

Allele frequency attached by ClinVar (database versions not stated): TOPMed below 0.00001; ExAC 0.00001; gnomAD exomes 0.00001.
gnomAD v4.1: 10 of 1,611,364 alleles (0.00062%); highest among the groups gnomAD compares: Admixed American, 0.0017%; no homozygotes.

Submissions (3):

PreventionGenetics, part of Exact Sciences
Classification: Uncertain significance for SCN11A-related condition. Last evaluated: 2026-01-05. Review status: criteria provided, single submitter. Criteria: ACMG Guidelines, 2015. Collection method: clinical testing. Allele origin: germline.
Comment: The SCN11A c.3452C>T variant is predicted to result in the amino acid substitution p.Ala1151Val. To our knowledge, this variant has not been reported in the literature. This variant is reported in 0.0029% of alleles in individuals of Latino descent in gnomAD. At this time, the clinical significance of this variant is uncertain due to the absence of conclusive functional and genetic evidence.

Labcorp Genetics (formerly Invitae), Labcorp
Classification: Uncertain significance for Familial episodic pain syndrome with predominantly lower limb involvement; Hereditary sensory and autonomic neuropathy type 7. Last evaluated: 2025-05-26. Review status: criteria provided, single submitter. Criteria: Invitae Variant Classification Sherloc (09022015). Collection method: clinical testing. Allele origin: germline.
Comment: This sequence change replaces alanine, which is neutral and non-polar, with valine, which is neutral and non-polar, at codon 1151 of the SCN11A protein (p.Ala1151Val). This variant is present in population databases (rs750275701, gnomAD 0.003%). This variant has not been reported in the literature in individuals affected with SCN11A-related conditions. ClinVar contains an entry for this variant (Variation ID: 1706348). Invitae Evidence Modeling of protein sequence and biophysical properties (such as structural, functional, and spatial information, amino acid conservation, physicochemical variation, residue mobility, and thermodynamic stability) indicates that this missense variant is expected to disrupt SCN11A protein function with a positive predictive value of 80%. In summary, the available evidence is currently insufficient to determine the role of this variant in disease. Therefore, it has been classified as a Variant of Uncertain Significance.

GeneDx
Classification: Uncertain significance. Last evaluated: 2022-03-18. Review status: criteria provided, single submitter. Criteria: GeneDx Variant Classification Process June 2021. Collection method: clinical testing. Allele origin: germline. Affected: yes.
Comment: Not observed at significant frequency in large population cohorts (gnomAD); In silico analysis supports that this missense variant has a deleterious effect on protein structure/function; Has not been previously published as pathogenic or benign to our knowledge